The following is an entry in ClinVar:

NM_000136.3(FANCC):c.997-15T>C

Genes: AOPEP (aminopeptidase O (putative); plus strand), FANCC (FA complementation group C; minus strand). Cytogenetic location: 9q22.32.
Variant type: single nucleotide variant.
Coding change: c.997-15T>C on transcript NM_000136.3 (MANE Select); 15 bases into the intron before coding-DNA position 997, T replaced by C.
Molecular consequence: intron variant.
Genome position (GRCh38, 1-based): chr9:95,117,405, A>G on the plus strand (T>C on the coding strand, the complement: FANCC is on the minus strand). VCF-style: chr9-95117405-A-G. GRCh37 (hg19) VCF-style: chr9-97879687-A-G.
Other names: c.997-15T>C (NM_001243743.2, NM_001243744.2).
Identifiers: ClinVar variation 385452 (VCV000385452.4), dbSNP rs922997650, ClinGen allele CA16605560.
Genomic context (GRCh38, chr9:95,117,405, plus strand): 5'-GAGATGGAGAAGTGTAAGGAAAGTAGGTCTTGAGTGCAAACCGCAGCTGCCACAGGATGG[A>G]AAATCCAAAGAGCATGAACATTAAGATTGAAACGGGGTCAGGAAAATACAAAACTCTGAG-3'

ClinVar aggregate classification (germline): Likely benign. Review status: criteria provided, multiple submitters, no conflicts (2 of 4 stars). 2 submissions from 2 submitters: Likely benign (2). Last evaluated 2025-06-29.

Conditions:
Fanconi anemia (FA). Also called: Fanconi's anemia. Identifiers: Orphanet 84, MedGen C0015625, MeSH D005199, MONDO:0019391.

Allele frequency attached by ClinVar (database versions not stated): gnomAD exomes below 0.00001; TOPMed 0.00001.
gnomAD v4.1: 5 of 1,610,452 alleles (0.00031%); highest among the groups gnomAD compares: Non-Finnish European, 0.00034%; no homozygotes.

Submissions (2):

Labcorp Genetics (formerly Invitae), Labcorp
Classification: Likely benign for Fanconi anemia. Last evaluated: 2025-06-29. Review status: criteria provided, single submitter. Criteria: Invitae Variant Classification Sherloc (09022015). Collection method: clinical testing. Allele origin: germline.

GeneDx
Classification: Likely benign. Last evaluated: 2016-04-11. Review status: criteria provided, single submitter. Criteria: GeneDx Variant Classification (06012015). Collection method: clinical testing. Allele origin: germline. Affected: yes.
Comment: This variant is considered likely benign or benign based on one or more of the following criteria: it is a conservative change, it occurs at a poorly conserved position in the protein, it is predicted to be benign by multiple in silico algorithms, and/or has population frequency not consistent with disease.